The following is an entry in ClinVar:

NM_018993.4(RIN2):c.662C>A (p.Pro221Gln)

Gene: RIN2 (Ras and Rab interactor 2; plus strand). Cytogenetic location: 20p11.23.
Variant type: single nucleotide variant.
Coding change: c.662C>A on transcript NM_018993.4 (MANE Select); coding-DNA position 662, C replaced by A.
Protein change: p.Pro221Gln; replaces proline 221 with glutamine.
Molecular consequence: missense variant.
Genome position (GRCh38, 1-based): chr20:19,974,687, C>A. VCF-style: chr20-19974687-C-A. GRCh37 (hg19) VCF-style: chr20-19955331-C-A.
Other names: c.809C>A, p.Pro270Gln (NM_001242581.2); c.44C>A, p.Pro15Gln (NM_001378238.1); c.662C>A (NM_018993.3); short protein forms P221Q, P270Q, P15Q.
Identifiers: ClinVar variation 1902994 (VCV001902994.4), dbSNP rs371812021, ClinGen allele CA9779904.

ClinVar aggregate classification (germline): Uncertain significance. Review status: criteria provided, multiple submitters, no conflicts (2 of 4 stars). 2 submissions from 2 submitters: Uncertain significance (2). Last evaluated 2025-03-14.

Allele frequency attached by ClinVar (database versions not stated): TOPMed 0.00002; ESP Exome Variant Server 0.00008; gnomAD 0.00011; ExAC 0.00032; 1000 Genomes Project 0.00080; 1000 Genomes Project 30x 0.00094.
gnomAD v4.1: 192 of 1,613,756 alleles (0.012%); highest among the groups gnomAD compares: South Asian, 0.19%; no homozygotes.

Submissions (2):

GeneDx
Classification: Uncertain significance. Last evaluated: 2025-03-14. Review status: criteria provided, single submitter. Criteria: GeneDx Variant Classification Process June 2021. Collection method: clinical testing. Allele origin: germline. Affected: yes.
Comment: In silico analysis indicates that this missense variant does not alter protein structure/function; Has not been previously published as pathogenic or benign to our knowledge

Labcorp Genetics (formerly Invitae), Labcorp
Classification: Uncertain significance. Last evaluated: 2022-08-31. Review status: criteria provided, single submitter. Criteria: Invitae Variant Classification Sherloc (09022015). Collection method: clinical testing. Allele origin: germline.
Comment: In summary, the available evidence is currently insufficient to determine the role of this variant in disease. Therefore, it has been classified as a Variant of Uncertain Significance. Algorithms developed to predict the effect of sequence changes on RNA splicing suggest that this variant may disrupt the consensus splice site. Algorithms developed to predict the effect of missense changes on protein structure and function are either unavailable or do not agree on the potential impact of this missense change (SIFT: "Tolerated"; PolyPhen-2: "Not Available"; Align-GVGD: "Class C0"). This variant has not been reported in the literature in individuals affected with RIN2-related conditions. This variant is present in population databases (rs371812021, gnomAD 0.2%). This sequence change replaces proline, which is neutral and non-polar, with glutamine, which is neutral and polar, at codon 221 of the RIN2 protein (p.Pro221Gln).